The following is an entry in ClinVar:

ClinVar aggregate classification (germline): Uncertain significance (1 of 4 stars; one submission).

Conditions:
Kabuki syndrome. Also called: NIIKAWA-KUROKI SYNDROME; Kabuki make-up syndrome. Identifiers: Orphanet 2322, MedGen C0796004, MONDO:0016512.

Submission:

Labcorp Genetics (formerly Invitae), Labcorp
Classification: Uncertain significance for Kabuki syndrome. Last evaluated: 2025-12-06. Review status: criteria provided, single submitter. Criteria: Invitae Variant Classification Sherloc (09022015). Collection method: clinical testing. Allele origin: germline.
Comment: This sequence change replaces alanine, which is neutral and non-polar, with glycine, which is neutral and non-polar, at codon 3106 of the KMT2D protein (p.Ala3106Gly). This variant is not present in population databases (gnomAD no frequency). This variant has not been reported in the literature in individuals affected with KMT2D-related conditions. Invitae Evidence Modeling of protein sequence and biophysical properties (such as structural, functional, and spatial information, amino acid conservation, physicochemical variation, residue mobility, and thermodynamic stability) indicates that this missense variant is not expected to disrupt KMT2D protein function with a negative predictive value of 95%. In summary, the available evidence is currently insufficient to determine the role of this variant in disease. Therefore, it has been classified as a Variant of Uncertain Significance.

NM_003482.4(KMT2D):c.9317C>G (p.Ala3106Gly)

Gene: KMT2D (lysine methyltransferase 2D; minus strand). Cytogenetic location: 12q13.12.
Variant type: single nucleotide variant.
Coding change: c.9317C>G on transcript NM_003482.4 (MANE Select); coding-DNA position 9317, C replaced by G.
Protein change: p.Ala3106Gly; replaces alanine 3106 with glycine.
Molecular consequence: missense variant.
Genome position (GRCh38, 1-based): chr12:49,038,039, G>C on the plus strand (C>G on the coding strand, the complement: KMT2D is on the minus strand). VCF-style: chr12-49038039-G-C. GRCh37 (hg19) VCF-style: chr12-49431822-G-C.
Other names: short protein forms A3106G.
Identifiers: ClinVar variation 4801223 (VCV004801223.1).